The following is an entry in ClinVar:

ClinVar aggregate classification (germline): Uncertain significance (1 of 4 stars; one submission).

Submission:

Labcorp Genetics (formerly Invitae), Labcorp
Classification: Uncertain significance. Last evaluated: 2023-07-17. Review status: criteria provided, single submitter. Criteria: Invitae Variant Classification Sherloc (09022015). Collection method: clinical testing. Allele origin: germline.
Comment: This variant is not present in population databases (gnomAD no frequency). This sequence change replaces aspartic acid, which is acidic and polar, with valine, which is neutral and non-polar, at codon 618 of the LRP2 protein (p.Asp618Val). In summary, the available evidence is currently insufficient to determine the role of this variant in disease. Therefore, it has been classified as a Variant of Uncertain Significance. Algorithms developed to predict the effect of sequence changes on RNA splicing suggest that this variant may disrupt the consensus splice site. Advanced modeling of protein sequence and biophysical properties (such as structural, functional, and spatial information, amino acid conservation, physicochemical variation, residue mobility, and thermodynamic stability) performed at Invitae indicates that this missense variant is expected to disrupt LRP2 protein function. ClinVar contains an entry for this variant (Variation ID: 1413380). This variant has not been reported in the literature in individuals affected with LRP2-related conditions.

NM_004525.3(LRP2):c.1853A>T (p.Asp618Val)

Gene: LRP2 (LDL receptor related protein 2; minus strand). Cytogenetic location: 2q31.1.
Variant type: single nucleotide variant.
Coding change: c.1853A>T on transcript NM_004525.3 (MANE Select); coding-DNA position 1853, A replaced by T.
Protein change: p.Asp618Val; replaces aspartic acid 618 with valine.
Molecular consequence: missense variant.
Genome position (GRCh38, 1-based): chr2:169,275,158, T>A on the plus strand (A>T on the coding strand, the complement: LRP2 is on the minus strand). VCF-style: chr2-169275158-T-A. GRCh37 (hg19) VCF-style: chr2-170131668-T-A.
Other names: short protein forms D618V.
Identifiers: ClinVar variation 1413380 (VCV001413380.6), dbSNP rs2105443786, ClinGen allele CA349143674.
Genomic context (GRCh38, chr2:169,275,158, plus strand): 5'-TACACTTGTGGGTTGGTCTCTGTGAACTTGTTTGCCTTCAGCACGGCCATCTTTGTCCAA[T>A]CTGTAAAGAACACCTGACCTTCAAATAAGCTTACTCCAAAGGGATGAGGAATGAGGGAGC-3'
Protein context (NP_004516.2, residues 608-628): SLFEGQVFFT[Asp618Val]WTKMAVLKAN